The following is an entry in ClinVar:

NM_023935.3(DDRGK1):c.742C>T (p.Arg248Cys)

Gene: DDRGK1 (DDRGK domain containing 1; minus strand). Cytogenetic location: 20p13.
Variant type: single nucleotide variant.
Coding change: c.742C>T on transcript NM_023935.3 (MANE Select); coding-DNA position 742, C replaced by T.
Protein change: p.Arg248Cys; replaces arginine 248 with cysteine.
Molecular consequence: missense variant.
Genome position (GRCh38, 1-based): chr20:3,191,226, G>A on the plus strand (C>T on the coding strand, the complement: DDRGK1 is on the minus strand). VCF-style: chr20-3191226-G-A. GRCh37 (hg19) VCF-style: chr20-3171872-G-A.
Other names: short protein forms R248C.
Identifiers: ClinVar variation 1378839 (VCV001378839.4), dbSNP rs151280429, ClinGen allele CA9740767.

ClinVar aggregate classification (germline): Uncertain significance (1 of 4 stars; one submission).

Allele frequency attached by ClinVar (database versions not stated): gnomAD 0.00001; TOPMed 0.00002; gnomAD exomes 0.00003 and 0.00007; ExAC 0.00006.
gnomAD v4.1: 51 of 1,614,044 alleles (0.0032%); highest among the groups gnomAD compares: Middle Eastern, 0.033%; no homozygotes.

Submission:

Labcorp Genetics (formerly Invitae), Labcorp
Classification: Uncertain significance. Last evaluated: 2022-03-02. Review status: criteria provided, single submitter. Criteria: Invitae Variant Classification Sherloc (09022015). Collection method: clinical testing. Allele origin: germline.
Comment: This sequence change replaces arginine, which is basic and polar, with cysteine, which is neutral and slightly polar, at codon 248 of the DDRGK1 protein (p.Arg248Cys). In summary, the available evidence is currently insufficient to determine the role of this variant in disease. Therefore, it has been classified as a Variant of Uncertain Significance. Algorithms developed to predict the effect of missense changes on protein structure and function are either unavailable or do not agree on the potential impact of this missense change (SIFT: "Not Available"; PolyPhen-2: "Probably Damaging"; Align-GVGD: "Not Available"). This variant has not been reported in the literature in individuals affected with DDRGK1-related conditions. This variant is present in population databases (rs151280429, gnomAD 0.03%).